The following is an entry in ClinVar:

NM_004820.5(CYP7B1):c.89T>G (p.Leu30Arg)

Gene: CYP7B1 (cytochrome P450 family 7 subfamily B member 1; minus strand). Cytogenetic location: 8q12.3.
Variant type: single nucleotide variant.
Coding change: c.89T>G on transcript NM_004820.5 (MANE Select); coding-DNA position 89, T replaced by G.
Protein change: p.Leu30Arg; replaces leucine 30 with arginine.
Molecular consequence: missense variant.
Genome position (GRCh38, 1-based): chr8:64,798,499, A>C on the plus strand (T>G on the coding strand, the complement: CYP7B1 is on the minus strand). VCF-style: chr8-64798499-A-C. GRCh37 (hg19) VCF-style: chr8-65711056-A-C.
Other names: c.89T>G, p.Leu30Arg (NM_001324112.2); short protein forms L30R.
Identifiers: ClinVar variation 2684017 (VCV002684017.1), dbSNP rs1029361920, ClinGen allele CA371408188.

ClinVar aggregate classification (germline): Uncertain significance (1 of 4 stars; one submission).

Allele frequency attached by ClinVar (database versions not stated): gnomAD exomes below 0.00001.
gnomAD v4.1: 4 of 1,511,992 alleles (0.00026%); highest among the groups gnomAD compares: Non-Finnish European, 0.00035%; no homozygotes.

Submission:

Athena Diagnostics
Classification: Uncertain significance. Last evaluated: 2023-06-20. Review status: criteria provided, single submitter. Criteria: Athena Diagnostics Criteria. Collection method: clinical testing. Allele origin: unknown.
Comment: Available data are insufficient to determine the clinical significance of the variant at this time. This variant has not been reported in large, multi-ethnic general populations. Computational tools disagree on the variant's effect on normal protein function.